The following is an entry in ClinVar:

ClinVar aggregate classification (germline): Uncertain significance (1 of 4 stars; one submission).

Conditions:
Gastrointestinal stromal tumor. Also called: Gastrointestinal stroma tumor; Gastrointestinal stromal tumor, somatic. Identifiers: Orphanet 44890, MedGen C0238198, MeSH D046152, MONDO:0011719, OMIM 606764, HP:0100723.

Submission:

Labcorp Genetics (formerly Invitae), Labcorp
Classification: Uncertain significance for Gastrointestinal stromal tumor. Last evaluated: 2022-10-17. Review status: criteria provided, single submitter. Criteria: Invitae Variant Classification Sherloc (09022015). Collection method: clinical testing. Allele origin: germline.
Comment: In summary, the available evidence is currently insufficient to determine the role of this variant in disease. Therefore, it has been classified as a Variant of Uncertain Significance. Algorithms developed to predict the effect of missense changes on protein structure and function (SIFT, PolyPhen-2, Align-GVGD) all suggest that this variant is likely to be tolerated. ClinVar contains an entry for this variant (Variation ID: 1431702). This variant has not been reported in the literature in individuals affected with KIT-related conditions. This variant is not present in population databases (gnomAD no frequency). This sequence change replaces lysine, which is basic and polar, with glutamic acid, which is acidic and polar, at codon 254 of the KIT protein (p.Lys254Glu).

NM_000222.3(KIT):c.760A>G (p.Lys254Glu)

Gene: KIT (KIT proto-oncogene, receptor tyrosine kinase; plus strand). Cytogenetic location: 4q12.
Variant type: single nucleotide variant.
Coding change: c.760A>G on transcript NM_000222.3 (MANE Select); coding-DNA position 760, A replaced by G.
Protein change: p.Lys254Glu; replaces lysine 254 with glutamic acid.
Molecular consequence: missense variant.
Genome position (GRCh38, 1-based): chr4:54,703,727, A>G. VCF-style: chr4-54703727-A-G. GRCh37 (hg19) VCF-style: chr4-55569893-A-G.
Other names: c.760A>G, p.Lys254Glu (NM_001093772.2, NM_001385285.1, NM_001385286.1); c.763A>G, p.Lys255Glu (NM_001385284.1, NM_001385288.1, NM_001385290.1 and 1 more transcripts); short protein forms K255E, K254E.
Identifiers: ClinVar variation 1431702 (VCV001431702.6), dbSNP rs2109692895, ClinGen allele CA356899239.